The following is an entry in ClinVar:

NM_012233.3(RAB3GAP1):c.2334_2338delinsTGCCTTGCTCG (p.His779_Leu780delinsAlaLeuLeuVal)

Gene: RAB3GAP1 (RAB3 GTPase activating protein catalytic subunit 1; plus strand). Cytogenetic location: 2q21.3.
Variant type: Indel.
Coding change: c.2334_2338delinsTGCCTTGCTCG on transcript NM_012233.3 (MANE Select); coding-DNA positions 2334 to 2338, GCACC replaced by TGCCTTGCTCG.
Protein change: p.His779_Leu780delinsAlaLeuLeuVal.
Molecular consequence: inframe indel.
Genome position (GRCh38, 1-based): chr2:135,162,599-135,162,603, GCACC replaced by TGCCTTGCTCG. VCF-style: chr2-135162599-GCACC-TGCCTTGCTCG. GRCh37 (hg19) VCF-style: chr2-135920169-GCACC-TGCCTTGCTCG.
Other names: c.2334_2338delinsTGCCTTGCTCG, p.His779_Leu780delinsAlaLeuLeuVal (NM_001172435.2).
Identifiers: ClinVar variation 426632 (VCV000426632.2), dbSNP rs1085307721, ClinGen allele CA645293937.

ClinVar aggregate classification (germline): Uncertain significance (1 of 4 stars; one submission).

Submission:

GeneDx
Classification: Uncertain significance. Last evaluated: 2017-04-10. Review status: criteria provided, single submitter. Criteria: GeneDx Variant Classification (06012015). Collection method: clinical testing. Allele origin: germline. Affected: yes.
Comment: A variant of uncertain significance has been identified in the RAB3GAP1 gene. The c.2334_2338delGCACCins11 variant has not been published as a pathogenic variant, nor has it been reported as a benign variant to our knowledge. The c.2334_2338delGCACCins11 variant is not observed in large population cohorts (Lek et al., 2016; 1000 Genomes Consortium et al., 2015; Exome Variant Server). The c.2334_2338delGCACCins11 variant results in an in-frame deletion of a Histidine and Leucine residue and the insertion of four amino acid residues, denoted p.H779_L780delinsALLV. However, in-frame deletions and duplications have not been reported in the Human Gene Mutation Database in association with RAB3GAP1-related disorders (Stenson et al., 2014). Therefore, based on the currently available information, it is unclear whether this variant is a pathogenic variant or a rare benign variant.